The following is an entry in ClinVar:

ClinVar aggregate classification (germline): Likely benign. Review status: criteria provided, multiple submitters, no conflicts (2 of 4 stars). 3 submissions from 3 submitters: Likely benign (2). 1 of the submissions does not count toward it. Last evaluated 2024-05-14.

Conditions:
PHF8-related disorder. Also called: PHF8-related condition.

Allele frequency attached by ClinVar (database versions not stated): gnomAD 0.00002 and 0.00005; gnomAD exomes 0.00003 and 0.00007; TOPMed 0.00005; ExAC 0.00008; 1000 Genomes Project 30x 0.00042; 1000 Genomes Project 0.00053.
gnomAD v4.1: 38 of 1,206,201 alleles (0.0032%); highest among the groups gnomAD compares: Admixed American, 0.04%; no homozygotes.

Submissions (3):

Blueprint Genetics
Classification: Likely benign. Last evaluated: 2024-05-14. Review status: criteria provided, single submitter. Criteria: ACMG Guidelines, 2015. Collection method: clinical testing. Allele origin: germline.

Labcorp Genetics (formerly Invitae), Labcorp
Classification: Likely benign. Last evaluated: 2019-12-31. Review status: criteria provided, single submitter. Criteria: Invitae Variant Classification Sherloc (09022015). Collection method: clinical testing. Allele origin: germline.

PreventionGenetics, part of Exact Sciences
Classification: Likely benign for PHF8-related condition. Last evaluated: 2019-09-05. Review status: no assertion criteria provided. Collection method: clinical testing. Allele origin: germline. Not counted in ClinVar's aggregate classification.
Comment: This variant is classified as likely benign based on ACMG/AMP sequence variant interpretation guidelines (Richards et al. 2015 PMID: 25741868, with internal and published modifications).

NM_015107.3(PHF8):c.1866C>T (p.Asp622=)

Gene: PHF8 (PHD finger protein 8; minus strand). Cytogenetic location: Xp11.22.
Variant type: single nucleotide variant.
Coding change: c.1866C>T on transcript NM_015107.3 (MANE Select); coding-DNA position 1866, C replaced by T.
Protein change: p.Asp622=; no amino-acid change (aspartic acid 622 retained).
Molecular consequence: synonymous variant.
Genome position (GRCh38, 1-based): chrX:53,987,809, G>A on the plus strand (C>T on the coding strand, the complement: PHF8 is on the minus strand). VCF-style: chrX-53987809-G-A. GRCh37 (hg19) VCF-style: chrX-54014242-G-A.
Other names: c.1974C>T, p.Asp658= (NM_001184896.1); c.1563C>T, p.Asp521= (NM_001184897.2); c.1866C>T, p.Asp622= (NM_001184898.2).
Identifiers: ClinVar variation 749652 (VCV000749652.7), dbSNP rs782030345, ClinGen allele CA10423399.
Genomic context (GRCh38, chrX:53,987,809, plus strand): 5'-AAAGAACAGACACACACTTGGTCTTATTATCAGGGTCGCCTTCTCCTTTCCCAATCTCTC[G>A]TCAATCTGCAGCTCATCATCTGAATCCAAGTCAAATTCGTCTTCCATCACCTGTTCTGCC-3'
Protein context (NP_055922.1, residues 612-632): DLDSDDELQI[Asp622=]ERLGKEKATL